The following is an entry in ClinVar:

NM_004656.4(BAP1):c.589G>A (p.Gly197Arg)

Gene: BAP1 (BRCA1 associated deubiquitinase 1; minus strand). Cytogenetic location: 3p21.1.
Variant type: single nucleotide variant.
Coding change: c.589G>A on transcript NM_004656.4 (MANE Select); coding-DNA position 589, G replaced by A.
Protein change: p.Gly197Arg; replaces glycine 197 with arginine.
Molecular consequence: missense variant.
Genome position (GRCh38, 1-based): chr3:52,406,899, C>T on the plus strand (G>A on the coding strand, the complement: BAP1 is on the minus strand). VCF-style: chr3-52406899-C-T. GRCh37 (hg19) VCF-style: chr3-52440915-C-T.
Other names: short protein forms G197R.
Identifiers: ClinVar variation 841195 (VCV000841195.9), dbSNP rs1060503739, ClinGen allele CA353109191.
Genomic context (GRCh38, chr3:52,406,899, plus strand): 5'-CGAGGCCGATACGCTCCATGATGACCCGCCGGGCCTTGTCTGTCCACTCCTCGTCCTCCC[C>T]CCAGGGCCCTAGTGGAGACCAAGACAAGGAATCAGCGAGAAGGAAACCCTGAGTTTGGGC-3'
Protein context (NP_004647.1, residues 187-207): KVYPIDHGPW[Gly197Arg]EDEEWTDKAR

ClinVar aggregate classification (germline): Conflicting classifications of pathogenicity. Review status: criteria provided, conflicting classifications (1 of 4 stars). 3 submissions from 3 submitters: Uncertain significance (2); Benign (1). Last evaluated 2025-08-05.

Conditions:
Hereditary cancer-predisposing syndrome. Also called: Hereditary Cancer Syndrome; Hereditary neoplastic syndrome; Tumor predisposition; Neoplastic Syndromes, Hereditary. Identifiers: Orphanet 140162, MedGen C0027672, MeSH D009386, MONDO:0015356.
BAP1-related tumor predisposition syndrome (TPDS1). Also called: BAP1 tumor predisposition syndrome; Tumor susceptibility linked to germline BAP1 mutations; COMMON Syndrome; TUMOR PREDISPOSITION SYNDROME 1. Identifiers: Orphanet 289539, MedGen C3280492, MONDO:0013692, OMIM 614327.

gnomAD v4.1: 1 of 1,571,674 alleles (0.000064%); highest among the groups gnomAD compares: Non-Finnish European, 0.000086%; no homozygotes.

Submissions (3):

Ambry Genetics
Classification: Benign for Hereditary cancer-predisposing syndrome. Last evaluated: 2025-08-05. Review status: criteria provided, single submitter. Criteria: Ambry Variant Classification Scheme 2023. Collection method: clinical testing. Allele origin: germline.

Labcorp Genetics (formerly Invitae), Labcorp
Classification: Uncertain significance for BAP1-related tumor predisposition syndrome. Last evaluated: 2022-06-24. Review status: criteria provided, single submitter. Criteria: Invitae Variant Classification Sherloc (09022015). Collection method: clinical testing. Allele origin: germline.
Comment: ClinVar contains an entry for this variant (Variation ID: 841195). This variant has not been reported in the literature in individuals affected with BAP1-related conditions. This variant is not present in population databases (gnomAD no frequency). This sequence change replaces glycine, which is neutral and non-polar, with arginine, which is basic and polar, at codon 197 of the BAP1 protein (p.Gly197Arg). Algorithms developed to predict the effect of missense changes on protein structure and function are either unavailable or do not agree on the potential impact of this missense change (SIFT: "Tolerated"; PolyPhen-2: "Probably Damaging"; Align-GVGD: "Class C0"). In summary, the available evidence is currently insufficient to determine the role of this variant in disease. Therefore, it has been classified as a Variant of Uncertain Significance.

GeneDx
Classification: Uncertain significance. Last evaluated: 2022-06-01. Review status: criteria provided, single submitter. Criteria: GeneDx Variant Classification Process June 2021. Collection method: clinical testing. Allele origin: germline. Affected: yes.
Comment: Not observed at significant frequency in large population cohorts (gnomAD); In silico analysis supports that this missense variant does not alter protein structure/function; Has not been previously published as pathogenic or benign to our knowledge

Literature cited by the submitters: PubMed 38969833 (cited by Ambry Genetics).